The following is an entry in ClinVar:

NM_001126108.2(SLC12A3):c.1148C>A (p.Thr383Asn)

Gene: SLC12A3 (solute carrier family 12 member 3; plus strand). Cytogenetic location: 16q13.
Variant type: single nucleotide variant.
Coding change: c.1148C>A on transcript NM_001126108.2 (MANE Select); coding-DNA position 1148, C replaced by A.
Protein change: p.Thr383Asn; replaces threonine 383 with asparagine.
Molecular consequence: missense variant.
Genome position (GRCh38, 1-based): chr16:56,878,129, C>A. VCF-style: chr16-56878129-C-A. GRCh37 (hg19) VCF-style: chr16-56912041-C-A.
Other names: c.1148C>A, p.Thr383Asn (NM_000339.3); c.1145C>A, p.Thr382Asn (NM_001126107.2); short protein forms T382N, T383N.
Identifiers: ClinVar variation 1684183 (VCV001684183.3), dbSNP rs2144709063, ClinGen allele CA395985029.

ClinVar aggregate classification (germline): Uncertain significance. Review status: criteria provided, multiple submitters, no conflicts (2 of 4 stars). 3 submissions from 3 submitters: Uncertain significance (3). Last evaluated 2025-10-09.

Conditions:
Familial hypokalemia-hypomagnesemia (GTLMNS). Also called: gitelman syndrome; HYPOMAGNESEMIA-HYPOKALEMIA, PRIMARY RENOTUBULAR, WITH HYPOCALCIURIA; POTASSIUM AND MAGNESIUM DEPLETION. Identifiers: Orphanet 358, MedGen C0268450, MONDO:0009904, OMIM 263800.

Submissions (3):

Labcorp Genetics (formerly Invitae), Labcorp
Classification: Uncertain significance. Last evaluated: 2025-10-09. Review status: criteria provided, single submitter. Criteria: Invitae Variant Classification Sherloc (09022015). Collection method: clinical testing. Allele origin: germline.
Comment: This sequence change replaces threonine, which is neutral and polar, with asparagine, which is neutral and polar, at codon 383 of the SLC12A3 protein (p.Thr383Asn). This variant is not present in population databases (gnomAD no frequency). This missense change has been observed in individual(s) with Gitelman syndrome (PMID: 36302598). ClinVar contains an entry for this variant (Variation ID: 1684183). Invitae Evidence Modeling of protein sequence and biophysical properties (such as structural, functional, and spatial information, amino acid conservation, physicochemical variation, residue mobility, and thermodynamic stability) indicates that this missense variant is expected to disrupt SLC12A3 protein function with a positive predictive value of 95%. In summary, the available evidence is currently insufficient to determine the role of this variant in disease. Therefore, it has been classified as a Variant of Uncertain Significance.

Fulgent Genetics
Classification: Uncertain significance for Familial hypokalemia-hypomagnesemia. Last evaluated: 2024-02-02. Review status: criteria provided, single submitter. Criteria: ACMG Guidelines, 2015. Collection method: clinical testing. Allele origin: germline.

European Hospital Georges Pompidou Genetics Department, Assistance Publique - Hôpitaux de Paris AP-HP
Classification: Uncertain significance for Familial hypokalemia-hypomagnesemia. Last evaluated: 2022-04-27. Review status: criteria provided, single submitter. Criteria: ACMG Guidelines, 2015. Collection method: clinical testing. Allele origin: germline. Affected: yes.
Comment: ACMG criteria used:PM1, PM2, PP3

Literature cited by the submitters: PubMed 36302598 (cited by Labcorp Genetics (formerly Invitae), Labcorp).